The following is an entry in ClinVar:

ClinVar aggregate classification (germline): Uncertain significance (1 of 4 stars; one submission).

Conditions:
Walker-Warburg congenital muscular dystrophy. Also called: Muscular dystrophy-dystroglycanopathy, type A; Walker-Warburg syndrome. Identifiers: Orphanet 899, MedGen C0265221, MONDO:0000171.

Allele frequency attached by ClinVar (database versions not stated): gnomAD exomes below 0.00001.
gnomAD v4.1: 1 of 1,612,424 alleles (0.000062%); highest among the groups gnomAD compares: South Asian, 0.0011%; no homozygotes.

Submission:

Labcorp Genetics (formerly Invitae), Labcorp
Classification: Uncertain significance for Walker-Warburg congenital muscular dystrophy. Last evaluated: 2022-02-19. Review status: criteria provided, single submitter. Criteria: Invitae Variant Classification Sherloc (09022015). Collection method: clinical testing. Allele origin: germline.
Comment: In summary, the available evidence is currently insufficient to determine the role of this variant in disease. Therefore, it has been classified as a Variant of Uncertain Significance. Algorithms developed to predict the effect of missense changes on protein structure and function output the following: SIFT: "Tolerated"; PolyPhen-2: "Benign"; Align-GVGD: "Class C0". The tyrosine amino acid residue is found in multiple mammalian species, which suggests that this missense change does not adversely affect protein function. This variant has not been reported in the literature in individuals affected with FKTN-related conditions. This variant is not present in population databases (gnomAD no frequency). This sequence change replaces histidine, which is basic and polar, with tyrosine, which is neutral and polar, at codon 95 of the FKTN protein (p.His95Tyr).

NM_001079802.2(FKTN):c.283C>T (p.His95Tyr)

Gene: FKTN (fukutin; plus strand). Cytogenetic location: 9q31.2.
Variant type: single nucleotide variant.
Coding change: c.283C>T on transcript NM_001079802.2 (MANE Select); coding-DNA position 283, C replaced by T.
Protein change: p.His95Tyr; replaces histidine 95 with tyrosine.
Molecular consequence: missense variant. On other transcripts: 5 prime UTR variant (4), non-coding transcript variant (2).
Genome position (GRCh38, 1-based): chr9:105,601,262, C>T. VCF-style: chr9-105601262-C-T. GRCh37 (hg19) VCF-style: chr9-108363543-C-T.
Other names: c.283C>T, p.His95Tyr (NM_001198963.2, NM_001351496.2, NM_001351498.2 and 1 more transcripts); c.214C>T, p.His72Tyr (NM_001351497.2); c.-232C>T (NM_001351499.2, NM_001351500.2, NM_001351501.2 and 1 more transcripts); short protein forms H72Y, H95Y.
Identifiers: ClinVar variation 2146668 (VCV002146668.3), dbSNP rs2539335497, ClinGen allele CA374331653.
Genomic context (GRCh38, chr9:105,601,262, plus strand): 5'-ATTGATCCTTTGATACTGGAATTGATTAATAAGAACTTTGAACAAGTCAAAAATACTTCT[C>T]ATGGCTCTACTTCACAATGCAAGTTTTTCTGTGTTCCAAGAGACTTTACTGCATTTGCAC-3'
Protein context (NP_001073270.1, residues 85-105): KNFEQVKNTS[His95Tyr]GSTSQCKFFC